The following is an entry in ClinVar:

NM_020442.6(VARS2):c.1700C>T (p.Thr567Ile)

Gene: VARS2 (valyl-tRNA synthetase 2, mitochondrial; plus strand). Cytogenetic location: 6p21.33.
Variant type: single nucleotide variant.
Coding change: c.1700C>T on transcript NM_020442.6 (MANE Select); coding-DNA position 1700, C replaced by T.
Protein change: p.Thr567Ile; replaces threonine 567 with isoleucine.
Molecular consequence: missense variant.
Genome position (GRCh38, 1-based): chr6:30,921,656, C>T. VCF-style: chr6-30921656-C-T. GRCh37 (hg19) VCF-style: chr6-30889433-C-T.
Other names: c.1280C>T, p.Thr427Ile (NM_001167733.3); c.1790C>T, p.Thr597Ile (NM_001167734.2); short protein forms T427I, T597I, T567I.
Identifiers: ClinVar variation 1895926 (VCV001895926.6), dbSNP rs773853718, ClinGen allele CA3706005.

ClinVar aggregate classification (germline): Uncertain significance. Review status: criteria provided, multiple submitters, no conflicts (2 of 4 stars). 2 submissions from 2 submitters: Uncertain significance (2). Last evaluated 2026-01-19.

Conditions:
Inborn genetic diseases. Identifiers: MedGen C0950123, MeSH D030342.

Allele frequency attached by ClinVar (database versions not stated): gnomAD 0.00001; ExAC 0.00005.
gnomAD v4.1: 45 of 1,608,132 alleles (0.0028%); highest among the groups gnomAD compares: Non-Finnish European, 0.0038%; no homozygotes.

Submissions (2):

Labcorp Genetics (formerly Invitae), Labcorp
Classification: Uncertain significance. Last evaluated: 2026-01-19. Review status: criteria provided, single submitter. Criteria: Invitae Variant Classification Sherloc (09022015). Collection method: clinical testing. Allele origin: germline.
Comment: This sequence change replaces threonine, which is neutral and polar, with isoleucine, which is neutral and non-polar, at codon 597 of the VARS2 protein (p.Thr597Ile). This variant is present in population databases (rs773853718, gnomAD 0.004%). This variant has not been reported in the literature in individuals affected with VARS2-related conditions. ClinVar contains an entry for this variant (Variation ID: 1895926). An algorithm developed to predict the effect of missense changes on protein structure and function outputs the following: PolyPhen-2: "Benign". The isoleucine amino acid residue is found in multiple mammalian species, which suggests that this missense change does not adversely affect protein function. In summary, the available evidence is currently insufficient to determine the role of this variant in disease. Therefore, it has been classified as a Variant of Uncertain Significance.

Ambry Genetics
Classification: Uncertain significance for Inborn genetic diseases. Last evaluated: 2022-07-11. Review status: criteria provided, single submitter. Criteria: Ambry Variant Classification Scheme 2023. Collection method: clinical testing. Allele origin: germline.